The following is an entry in ClinVar:

NM_001379291.1(BRD4):c.2159-3595C>G

Gene: BRD4 (bromodomain containing 4; minus strand). Cytogenetic location: 19p13.12.
Variant type: single nucleotide variant.
Coding change: c.2159-3595C>G on transcript NM_001379291.1 (MANE Select); 3595 bases into the intron before coding-DNA position 2159, C replaced by G.
Molecular consequence: intron variant. On other transcripts: 3 prime UTR variant (2).
Genome position (GRCh38, 1-based): chr19:15,248,357, G>C on the plus strand (C>G on the coding strand, the complement: BRD4 is on the minus strand). VCF-style: chr19-15248357-G-C. GRCh37 (hg19) VCF-style: chr19-15359168-G-C.
Other names: c.*923C>G (NM_001379292.1, NM_014299.3); c.2159-3595C>G (NM_058243.3).
Identifiers: ClinVar variation 2649460 (VCV002649460.24), dbSNP rs537054104, ClinGen allele CA305794889.

ClinVar aggregate classification (germline): Benign (1 of 4 stars; one submission).

Allele frequency attached by ClinVar (database versions not stated): gnomAD exomes 0.00021; 1000 Genomes Project 0.00120; gnomAD 0.00155; 1000 Genomes Project 30x 0.00172.
gnomAD v4.1: 246 of 215,720 alleles (0.11%); highest among the groups gnomAD compares: African/African-American, 0.53%; no homozygotes.

Submission:

CeGaT Center for Human Genetics Tuebingen
Classification: Benign. Last evaluated: 2022-04-01. Review status: criteria provided, single submitter. Criteria: CeGaT Center For Human Genetics Tuebingen Variant Classification Criteria Version 2. Collection method: clinical testing. Allele origin: germline. Affected: yes. Observed: 1 variant allele.
Comment: BRD4: BS1, BS2